The following is an entry in ClinVar:

ClinVar aggregate classification (germline): Uncertain significance (1 of 4 stars; one submission).

Allele frequency attached by ClinVar (database versions not stated): gnomAD exomes below 0.00001; ExAC 0.00001; gnomAD 0.00001.
gnomAD v4.1: 4 of 1,601,848 alleles (0.00025%); highest among the groups gnomAD compares: African/African-American, 0.0053%; no homozygotes.

Submission:

Labcorp Genetics (formerly Invitae), Labcorp
Classification: Uncertain significance. Last evaluated: 2023-07-17. Review status: criteria provided, single submitter. Criteria: Invitae Variant Classification Sherloc (09022015). Collection method: clinical testing. Allele origin: germline.
Comment: This sequence change replaces isoleucine, which is neutral and non-polar, with valine, which is neutral and non-polar, at codon 135 of the COL9A2 protein (p.Ile135Val). This variant is present in population databases (rs754653233, gnomAD 0.009%). This variant has not been reported in the literature in individuals affected with COL9A2-related conditions. ClinVar contains an entry for this variant (Variation ID: 1383042). Advanced modeling of protein sequence and biophysical properties (such as structural, functional, and spatial information, amino acid conservation, physicochemical variation, residue mobility, and thermodynamic stability) performed at Invitae indicates that this missense variant is not expected to disrupt COL9A2 protein function. In summary, the available evidence is currently insufficient to determine the role of this variant in disease. Therefore, it has been classified as a Variant of Uncertain Significance.

NM_001852.4(COL9A2):c.403A>G (p.Ile135Val)

Gene: COL9A2 (collagen type IX alpha 2 chain; minus strand). Cytogenetic location: 1p34.2.
Variant type: single nucleotide variant.
Coding change: c.403A>G on transcript NM_001852.4 (MANE Select); coding-DNA position 403, A replaced by G.
Protein change: p.Ile135Val; replaces isoleucine 135 with valine.
Molecular consequence: missense variant.
Genome position (GRCh38, 1-based): chr1:40,312,073, T>C on the plus strand (A>G on the coding strand, the complement: COL9A2 is on the minus strand). VCF-style: chr1-40312073-T-C. GRCh37 (hg19) VCF-style: chr1-40777745-T-C.
Other names: short protein forms I135V.
Identifiers: ClinVar variation 1383042 (VCV001383042.8), dbSNP rs754653233, ClinGen allele CA791957.